The following is an entry in ClinVar:

NM_001199563.2(POPDC1):c.262C>T (p.Arg88Ter)

Gene: POPDC1 (popeye domain cAMP effector 1; minus strand). Cytogenetic location: 6q21.
Variant type: single nucleotide variant.
Coding change: c.262C>T on transcript NM_001199563.2 (MANE Select); coding-DNA position 262, C replaced by T.
Protein change: p.Arg88Ter; replaces arginine 88 with a stop codon.
Molecular consequence: nonsense.
Genome position (GRCh38, 1-based): chr6:105,129,468, G>A on the plus strand (C>T on the coding strand, the complement: POPDC1 is on the minus strand). VCF-style: chr6-105129468-G-A. GRCh37 (hg19) VCF-style: chr6-105577343-G-A.
Other names: BVES, ARG88TER (rs796206315); c.262C>T, p.Arg88Ter (NM_007073.4, NM_147147.4); short protein forms R88*.
Identifiers: ClinVar variation 626314 (VCV000626314.4), dbSNP rs796206315, ClinGen allele CA145452482.

ClinVar aggregate classification (germline): Pathogenic/Likely pathogenic. Review status: criteria provided, multiple submitters, no conflicts (2 of 4 stars). 3 submissions from 3 submitters: Pathogenic (1); Likely pathogenic (1). 1 of the submissions does not count toward it. Last evaluated 2023-01-09.

Conditions:
Autosomal recessive limb-girdle muscular dystrophy type 2X (LGMDR25). Also called: Muscular dystrophy, limb-girdle, type 2X. Identifiers: Orphanet 476084, MedGen C5568138, MONDO:0014782, OMIM 616812.
Limb-girdle muscular dystrophy (LGMD). Also called: Muscular Dystrophies, Limb-Girdle. Identifiers: Orphanet 263, MedGen C0686353, MeSH D049288, MONDO:0016971, HP:0006785.

Allele frequency attached by ClinVar (database versions not stated): gnomAD exomes below 0.00001; gnomAD 0.00001; TOPMed 0.00002.
gnomAD v4.1: 3 of 1,612,226 alleles (0.00019%); highest among the groups gnomAD compares: East Asian, 0.0022%; no homozygotes.

Submissions (3):

GeneDx
Classification: Pathogenic. Last evaluated: 2023-01-09. Review status: criteria provided, single submitter. Criteria: GeneDx Variant Classification Process June 2021. Collection method: clinical testing. Allele origin: germline. Affected: yes.
Comment: Nonsense variant predicted to result in protein truncation or nonsense mediated decay in a gene for which loss of function is a known mechanism of disease; Not observed at significant frequency in large population cohorts (gnomAD); This variant is associated with the following publications: (PMID: 35660068, 34940515, 27397505, 35718670, 31817925, 33310206, 32684383, 32528171, 31119192)

Broad Center for Mendelian Genomics, Broad Institute of MIT and Harvard
Classification: Likely pathogenic for Limb-girdle muscular dystrophy. Last evaluated: 2020-05-29. Review status: criteria provided, single submitter. Criteria: ACMG Guidelines, 2015. Collection method: research. Allele origin: germline. Inheritance: Autosomal recessive inheritance.
Comment: Data from large population studies is insufficient to assess the frequency of this variant. This nonsense variant leads to a premature termination codon at position 88, which is predicted to lead to a truncated or absent protein. While there is some evidence to suggest that loss of function of the BVES gene is a disease mechanism in autosomal recessive limb girdle muscular dystrophy, this association is not yet strongly established based on the criteria laid out in Tayoun, 2018 (PMID: 30192042). In vitro functional studies provide some evidence that the p.Arg88Ter variant may slightly impact protein function (PMID:31119192). However, these types of assays may not accurately represent biological function. In summary, although additional studies are required to fully establish its clinical significance, this variant is likely pathogenic. ACMG/AMP Criteria applied: PM3_supporting, PS3_moderate, PVS1_strong (Richards 2015).

OMIM
Classification: Pathogenic for MUSCULAR DYSTROPHY, LIMB-GIRDLE, AUTOSOMAL RECESSIVE 25. Last evaluated: 2022-08-25. Review status: no assertion criteria provided. Collection method: literature only. Allele origin: germline. Not counted in ClinVar's aggregate classification.

Literature cited by the submitters: PubMed 31119192 (cited by Broad Center for Mendelian Genomics, Broad Institute of MIT and Harvard and OMIM).